The following is an entry in ClinVar:

ClinVar aggregate classification (germline): Uncertain significance (1 of 4 stars; one submission).

Conditions:
Hereditary nonpolyposis colorectal neoplasms. Identifiers: MedGen C0009405, MeSH D003123.

Submission:

Labcorp Genetics (formerly Invitae), Labcorp
Classification: Uncertain significance for Hereditary nonpolyposis colorectal neoplasms. Last evaluated: 2022-04-18. Review status: criteria provided, single submitter. Criteria: Invitae Variant Classification Sherloc (09022015). Collection method: clinical testing. Allele origin: germline.
Comment: This sequence change replaces phenylalanine, which is neutral and non-polar, with tyrosine, which is neutral and polar, at codon 1040 of the MSH6 protein (p.Phe1040Tyr). This variant is not present in population databases (gnomAD no frequency). This variant has not been reported in the literature in individuals affected with MSH6-related conditions. Advanced modeling of protein sequence and biophysical properties (such as structural, functional, and spatial information, amino acid conservation, physicochemical variation, residue mobility, and thermodynamic stability) performed at Invitae indicates that this missense variant is expected to disrupt MSH6 protein function. In summary, the available evidence is currently insufficient to determine the role of this variant in disease. Therefore, it has been classified as a Variant of Uncertain Significance.

NM_000179.3(MSH6):c.3119T>A (p.Phe1040Tyr)

Gene: MSH6 (mutS homolog 6; plus strand). Cytogenetic location: 2p16.3.
Variant type: single nucleotide variant.
Coding change: c.3119T>A on transcript NM_000179.3 (MANE Select); coding-DNA position 3119, T replaced by A.
Protein change: p.Phe1040Tyr; replaces phenylalanine 1040 with tyrosine.
Molecular consequence: missense variant.
Genome position (GRCh38, 1-based): chr2:47,801,102, T>A. VCF-style: chr2-47801102-T-A. GRCh37 (hg19) VCF-style: chr2-48028241-T-A.
Other names: c.2729T>A, p.Phe910Tyr (NM_001281492.2); c.2213T>A, p.Phe738Tyr (NM_001281493.2, NM_001281494.2, NM_001406812.1 and 6 more transcripts); c.3215T>A, p.Phe1072Tyr (NM_001406795.1, NM_001406802.1); c.3119T>A, p.Phe1040Tyr (NM_001406796.1, NM_001406798.1, NM_001406800.1 and 2 more transcripts); c.2822T>A, p.Phe941Tyr (NM_001406797.1, NM_001406818.1, NM_001406819.1 and 10 more transcripts); c.2594T>A, p.Phe865Tyr (NM_001406799.1, NM_001406806.1, NM_001406807.1); c.3125T>A, p.Phe1042Tyr (NM_001406813.1); c.3041T>A, p.Phe1014Tyr (NM_001406804.1); and 2 more; short protein forms F1014Y, F738Y, F865Y, F1042Y, F355Y, F941Y, F1040Y, F1072Y.
Identifiers: ClinVar variation 2127128 (VCV002127128.4), dbSNP rs2104441260, ClinGen allele CA346756632.
Genomic context (GRCh38, chr2:47,801,102, plus strand): 5'-ATGCTGAAGAACGGAGGGATGTATCATTGAAGGACTGCATGCGGCGACTGTTCTATAACT[T>A]TGATAAAAATTACAAGGACTGGCAGTCTGCTGTAGAGTGTATCGCAGTGTTGGGTAAGAC-3'
Protein context (NP_000170.1, residues 1030-1050): KDCMRRLFYN[Phe1040Tyr]DKNYKDWQSA